The following is an entry in ClinVar:

ClinVar aggregate classification (germline): Likely pathogenic. Review status: criteria provided, multiple submitters, no conflicts (2 of 4 stars). 2 submissions from 2 submitters: Likely pathogenic (2). Last evaluated 2025-05-13.

Conditions:
Spondyloepiphyseal dysplasia, Stanescu type. Also called: SED, STANESCU TYPE; SPONDYLOEPIMETAPHYSEAL DYSPLASIA, STANESCU TYPE. Identifiers: Orphanet 459051, MedGen C4225273, MONDO:0014701, OMIM 616583.

Submissions (2):

Labcorp Genetics (formerly Invitae), Labcorp
Classification: Likely pathogenic. Last evaluated: 2025-05-13. Review status: criteria provided, single submitter. Criteria: Invitae Variant Classification Sherloc (09022015). Collection method: clinical testing. Allele origin: germline.
Comment: This sequence change replaces glycine, which is neutral and non-polar, with arginine, which is basic and polar, at codon 1086 of the COL2A1 protein (p.Gly1086Arg). This variant is not present in population databases (gnomAD no frequency). This variant has not been reported in the literature in individuals affected with COL2A1-related conditions. ClinVar contains an entry for this variant (Variation ID: 2585179). Invitae Evidence Modeling of protein sequence and biophysical properties (such as structural, functional, and spatial information, amino acid conservation, physicochemical variation, residue mobility, and thermodynamic stability) indicates that this missense variant is expected to disrupt COL2A1 protein function with a positive predictive value of 95%. This variant disrupts the triple helix domain of COL2A1. Glycine residues within the Gly-Xaa-Yaa repeats of the triple helix domain are required for the structure and stability of fibrillar collagens (PMID: 7695699, 8218237, 19344236). In COL2A1, variants affecting these glycine residues are significantly enriched in individuals with disease (PMID: 9016532, 17078022) compared to the general population (ExAC). This variant disrupts the p.Gly1086 amino acid residue in COL2A1. Other variant(s) that disrupt this residue have been observed in individuals with COL2A1-related conditions (PMID: 23932928; internal data), which suggests that this may be a clinically significant amino acid residue. In summary, the currently available evidence indicates that the variant is pathogenic, but additional data are needed to prove that conclusively. Therefore, this variant has been classified as Likely Pathogenic.

Neuberg Centre For Genomic Medicine, NCGM
Classification: Likely pathogenic for Spondyloepiphyseal dysplasia, Stanescu type. Review status: criteria provided, single submitter. Criteria: ACMG Guidelines, 2015. Collection method: clinical testing. Allele origin: germline. Inheritance: Autosomal dominant inheritance. Affected: yes.
Comment: The missense variant c.3256G>A (p.Gly1086Arg) in COL2A1 gene has not been reported previously as a pathogenic variant nor as a benign variant, to our knowledge. The p.Gly1086Arg variant is novel (not in any individuals) in gnomAD Exomes and 1000 Genomes. The amino acid Gly at position 1086 is changed to a Arg changing protein sequence and it might alter its composition and physico-chemical properties. The variant is predicted to be damaging by both SIFT and PolyPhen2. The residue is conserved across species. The amino acid change p.Gly1086Arg in COL2A1 is predicted as conserved by GERP++ and PhyloP across 100 vertebrates. The missense variant subsitutes a glycine residue which is present in the triple helical region in the collagen chain. Glycine substitutions within the triple hellical region have been previously described to be disease causing (Barat-Houari et al., 2016). Hence the above variant has been classified as Likely Pathogenic.

Literature cited by the submitters: PubMed 7695699 (cited by Labcorp Genetics (formerly Invitae), Labcorp); PubMed 8218237 (cited by Labcorp Genetics (formerly Invitae), Labcorp); PubMed 19344236 (cited by Labcorp Genetics (formerly Invitae), Labcorp); PubMed 9016532 (cited by Labcorp Genetics (formerly Invitae), Labcorp); PubMed 17078022 (cited by Labcorp Genetics (formerly Invitae), Labcorp); PubMed 23932928 (cited by Labcorp Genetics (formerly Invitae), Labcorp).

NM_001844.5(COL2A1):c.3256G>A (p.Gly1086Arg)

Gene: COL2A1 (collagen type II alpha 1 chain; minus strand). Cytogenetic location: 12q13.11.
Variant type: single nucleotide variant.
Coding change: c.3256G>A on transcript NM_001844.5 (MANE Select); coding-DNA position 3256, G replaced by A.
Protein change: p.Gly1086Arg; replaces glycine 1086 with arginine.
Molecular consequence: missense variant.
Genome position (GRCh38, 1-based): chr12:47,977,337, C>T on the plus strand (G>A on the coding strand, the complement: COL2A1 is on the minus strand). VCF-style: chr12-47977337-C-T. GRCh37 (hg19) VCF-style: chr12-48371120-C-T.
Other names: c.3049G>A, p.Gly1017Arg (NM_033150.3); short protein forms G1017R, G1086R.
Identifiers: ClinVar variation 2585179 (VCV002585179.2), dbSNP rs2540107727, ClinGen allele CA384540083.
Genomic context (GRCh38, chr12:47,977,337, plus strand): 5'-CCGCGCAGGGGAAGGCGGCTTTTACTGAATTCAGGATACTTACAGCTTCTCCTCTGTCTC[C>T]TTGCTTGCCAGTTGGACCAGCGGGGCCAGGGGAGCCAGGGGGCCCAGGGGCTCCAGGAGC-3'
Protein context (NP_001835.3, residues 1076-1096): PGPAGPTGKQ[Gly1086Arg]DRGEAGAQGP